The following is an entry in ClinVar:

NM_001382637.1(OTUD7A):c.2064C>T (p.Ala688=)

Gene: OTUD7A (OTU deubiquitinase 7A; minus strand). Cytogenetic location: 15q13.3.
Variant type: single nucleotide variant.
Coding change: c.2064C>T on transcript NM_001382637.1 (MANE Select); coding-DNA position 2064, C replaced by T.
Protein change: p.Ala688=; no amino-acid change (alanine 688 retained).
Molecular consequence: synonymous variant.
Genome position (GRCh38, 1-based): chr15:31,484,032, G>A on the plus strand (C>T on the coding strand, the complement: OTUD7A is on the minus strand). VCF-style: chr15-31484032-G-A. GRCh37 (hg19) VCF-style: chr15-31776235-G-A.
Other names: c.2043C>T, p.Ala681= (NM_130901.3).
Identifiers: ClinVar variation 3035296 (VCV003035296.2), dbSNP rs749384931, ClinGen allele CA7453415.
Genomic context (GRCh38, chr15:31,484,032, plus strand): 5'-CTCCGTCTCCGGTCTGCGCGGCGGCCGCTTGGCCGTGGCGGCGGCGGCGGCGGCGGCAGC[G>A]GCGGCCGCAGTAGCGGCGTCGCGGCGCCGCTGCTCCTGCTCGGCGCTGAAGCGCTCCTGC-3'
Protein context (NP_001369566.1, residues 678-698): QRRRDAATAA[Ala688=]AAAAAAAATA

ClinVar aggregate classification (germline): Likely benign (0 of 4 stars; one submission).

Conditions:
OTUD7A-related disorder. Also called: OTUD7A-related condition.

Allele frequency attached by ClinVar (database versions not stated): gnomAD exomes 0.00004; gnomAD 0.00021.
gnomAD v4.1: 78 of 1,252,260 alleles (0.0062%); highest among the groups gnomAD compares: African/African-American, 0.069%; no homozygotes.

Submission:

PreventionGenetics, part of Exact Sciences
Classification: Likely benign for OTUD7A-related condition. Last evaluated: 2019-07-30. Review status: no assertion criteria provided. Collection method: clinical testing. Allele origin: germline.
Comment: This variant is classified as likely benign based on ACMG/AMP sequence variant interpretation guidelines (Richards et al. 2015 PMID: 25741868, with internal and published modifications).